The following is an entry in ClinVar:

ClinVar aggregate classification (germline): Conflicting classifications of pathogenicity. Review status: criteria provided, conflicting classifications (1 of 4 stars). 2 submissions from 2 submitters: Uncertain significance (1); Likely benign (1). Last evaluated 2024-07-11.

Allele frequency attached by ClinVar (database versions not stated): gnomAD 0.00001; gnomAD exomes 0.00001; TOPMed 0.00002.
gnomAD v4.1: 13 of 1,614,008 alleles (0.00081%); highest among the groups gnomAD compares: South Asian, 0.0088%; no homozygotes.

Submissions (2):

Labcorp Genetics (formerly Invitae), Labcorp
Classification: Likely benign. Last evaluated: 2024-07-11. Review status: criteria provided, single submitter. Criteria: Invitae Variant Classification Sherloc (09022015). Collection method: clinical testing. Allele origin: germline.

Women's Health and Genetics/Laboratory Corporation of America, LabCorp
Classification: Uncertain significance. Last evaluated: 2024-04-26. Review status: criteria provided, single submitter. Criteria: LabCorp Variant Classification Summary - May 2015. Collection method: clinical testing. Allele origin: germline.
Comment: Variant summary: HIVEP2 c.3496T>C (p.Ser1166Pro) results in a non-conservative amino acid change in the encoded protein sequence. Four of five in-silico tools predict a benign effect of the variant on protein function. The variant allele was found at a frequency of 4e-06 in 249138 control chromosomes. The available data on variant occurrences in the general population are insufficient to allow any conclusion about variant significance. To our knowledge, no occurrence of c.3496T>C in individuals affected with Intellectual Disability, Autosomal Dominant 43 and no experimental evidence demonstrating its impact on protein function have been reported. No submitters have cited clinical-significance assessments for this variant to ClinVar. Based on the evidence outlined above, the variant was classified as uncertain significance.

NM_006734.4(HIVEP2):c.3496T>C (p.Ser1166Pro)

Gene: HIVEP2 (HIVEP zinc finger 2; minus strand). Cytogenetic location: 6q24.2.
Variant type: single nucleotide variant.
Coding change: c.3496T>C on transcript NM_006734.4 (MANE Select); coding-DNA position 3496, T replaced by C.
Protein change: p.Ser1166Pro; replaces serine 1166 with proline.
Molecular consequence: missense variant.
Genome position (GRCh38, 1-based): chr6:142,771,243, A>G on the plus strand (T>C on the coding strand, the complement: HIVEP2 is on the minus strand). VCF-style: chr6-142771243-A-G. GRCh37 (hg19) VCF-style: chr6-143092380-A-G.
Other names: short protein forms S1166P.
Identifiers: ClinVar variation 2895113 (VCV002895113.4), dbSNP rs974381338, ClinGen allele CA149015838.